The following is an entry in ClinVar:

NM_021922.3(FANCE):c.869G>A (p.Arg290Lys)

Gene: FANCE (FA complementation group E; plus strand). Cytogenetic location: 6p21.31.
Variant type: single nucleotide variant.
Coding change: c.869G>A on transcript NM_021922.3 (MANE Select); coding-DNA position 869, G replaced by A.
Protein change: p.Arg290Lys; replaces arginine 290 with lysine.
Molecular consequence: missense variant.
Genome position (GRCh38, 1-based): chr6:35,457,569, G>A. VCF-style: chr6-35457569-G-A. GRCh37 (hg19) VCF-style: chr6-35425346-G-A.
Other names: short protein forms R290K.
Identifiers: ClinVar variation 1307543 (VCV001307543.13), dbSNP rs747078723, ClinGen allele CA3771507.

ClinVar aggregate classification (germline): Uncertain significance. Review status: criteria provided, multiple submitters, no conflicts (2 of 4 stars). 5 submissions from 5 submitters: Uncertain significance (5). Last evaluated 2025-12-18.

Conditions:
Inborn genetic diseases. Identifiers: MedGen C0950123, MeSH D030342.
Fanconi anemia complementation group E (FANCE). Also called: FANCE-Related Fanconi Anemia. Identifiers: Orphanet 84, MedGen C3160739, MONDO:0010953, OMIM 600901.

Allele frequency attached by ClinVar (database versions not stated): ExAC 0.00002; gnomAD exomes 0.00002; TOPMed 0.00002; gnomAD 0.00004.
gnomAD v4.1: 16 of 1,613,788 alleles (0.00099%); highest among the groups gnomAD compares: Admixed American, 0.0033%; no homozygotes.

Submissions (5):

GeneDx
Classification: Uncertain significance. Last evaluated: 2025-12-18. Review status: criteria provided, single submitter. Criteria: GeneDx Variant Classification Process June 2021. Collection method: clinical testing. Allele origin: germline. Affected: yes.
Comment: Not observed at significant frequency in large population cohorts (gnomAD); In silico analysis suggests that this missense variant does not alter protein structure/function; Has not been previously published as pathogenic or benign to our knowledge

Ambry Genetics
Classification: Uncertain significance for Inborn genetic diseases. Last evaluated: 2025-01-20. Review status: criteria provided, single submitter. Criteria: Ambry Variant Classification Scheme 2023. Collection method: clinical testing. Allele origin: germline.

Labcorp Genetics (formerly Invitae), Labcorp
Classification: Uncertain significance for Fanconi anemia complementation group E. Last evaluated: 2024-10-16. Review status: criteria provided, single submitter. Criteria: Invitae Variant Classification Sherloc (09022015). Collection method: clinical testing. Allele origin: germline.
Comment: This sequence change replaces arginine, which is basic and polar, with lysine, which is basic and polar, at codon 290 of the FANCE protein (p.Arg290Lys). This variant is present in population databases (rs747078723, gnomAD 0.003%). This variant has not been reported in the literature in individuals affected with FANCE-related conditions. ClinVar contains an entry for this variant (Variation ID: 1307543). Invitae Evidence Modeling of protein sequence and biophysical properties (such as structural, functional, and spatial information, amino acid conservation, physicochemical variation, residue mobility, and thermodynamic stability) indicates that this missense variant is not expected to disrupt FANCE protein function with a negative predictive value of 80%. In summary, the available evidence is currently insufficient to determine the role of this variant in disease. Therefore, it has been classified as a Variant of Uncertain Significance.

Fulgent Genetics
Classification: Uncertain significance for Fanconi anemia complementation group E. Last evaluated: 2022-04-12. Review status: criteria provided, single submitter. Criteria: ACMG Guidelines, 2015. Collection method: clinical testing. Allele origin: unknown.

Institute for Clinical Genetics, University Hospital TU Dresden, University Hospital TU Dresden
Classification: Uncertain significance. Last evaluated: 2021-11-03. Review status: criteria provided, single submitter. Criteria: ACMG Guidelines, 2015. Collection method: clinical testing. Allele origin: germline.